The following is an entry in ClinVar:

ClinVar aggregate classification (germline): Uncertain significance (1 of 4 stars; one submission).

Conditions:
Deficiency of butyryl-CoA dehydrogenase (ACADSD). Also called: Short-Chain Acyl-CoA Dehydrogenase Deficiency; ACYL-CoA DEHYDROGENASE, SHORT-CHAIN, DEFICIENCY OF; SCAD Deficiency; ACADS DEFICIENCY; SCAD DEFICIENCY, MILD; SCADH DEFICIENCY. Identifiers: Orphanet 26792, MedGen C0342783, MONDO:0008722, OMIM 201470. Disease mechanism: May be benign.

Submission:

Labcorp Genetics (formerly Invitae), Labcorp
Classification: Uncertain significance for Deficiency of butyryl-CoA dehydrogenase. Last evaluated: 2019-10-16. Review status: criteria provided, single submitter. Criteria: Invitae Variant Classification Sherloc (09022015). Collection method: clinical testing. Allele origin: germline.
Comment: This sequence change results in a premature translational stop signal in the ACADS gene (p.Lys349*). While this is not anticipated to result in nonsense mediated decay, it is expected to disrupt the last 64 amino acids of the ACADS protein. This variant is not present in population databases (ExAC no frequency). This variant has not been reported in the literature in individuals with ACADS-related conditions. In summary, the available evidence is currently insufficient to determine the role of this variant in disease. Therefore, it has been classified as a Variant of Uncertain Significance.

NM_000017.4(ACADS):c.1030-3_1044dup

Gene: ACADS (acyl-CoA dehydrogenase short chain; plus strand). Cytogenetic location: 12q24.31.
Variant type: Duplication.
Coding change: c.1030-3_1044dup on transcript NM_000017.4 (MANE Select); 3 bases into the intron before coding-DNA position 1030 through coding-DNA position 1044, 18 bases duplicated (TAGGAGGCAGCCATGGCC).
Molecular consequence: splice acceptor variant.
Genome position (GRCh38, 1-based): chr12:120,739,137-120,739,154, TAGGAGGCAGCCATGGCC duplicated. VCF-style (leftmost placement, unchanged base first): chr12-120739136-T-TTAGGAGGCAGCCATGGCC. GRCh37 (hg19) VCF-style: chr12-121176939-T-TTAGGAGGCAGCCATGGCC.
Other names: c.1018-3_1032dup (NM_001302554.2).
Identifiers: ClinVar variation 938542 (VCV000938542.6), dbSNP rs1883566976, ClinGen allele CA1139662939.